The following is an entry in ClinVar:

ClinVar aggregate classification (germline): Uncertain significance (1 of 4 stars; one submission).

Allele frequency attached by ClinVar (database versions not stated): ExAC 0.00026.

Submission:

Ambry Genetics
Classification: Uncertain significance. Last evaluated: 2025-11-05. Review status: criteria provided, single submitter. Criteria: Ambry Variant Classification Scheme 2023. Collection method: clinical testing. Allele origin: germline.
Comment: The c.274C>T (p.R92C) alteration is located in exon 1 (coding exon 1) of the OR2T8 gene. This alteration results from a C to T substitution at nucleotide position 274, causing the arginine (R) at amino acid position 92 to be replaced by a cysteine (C). Based on data from gnomAD, the T allele has an overall frequency of 0.006% (9/141052) total alleles studied. The highest observed frequency was 0.043% (4/9394) of African alleles. Based on insufficient or conflicting evidence, the clinical significance of this alteration remains unclear.

NM_001005522.2(OR2T8):c.274C>T (p.Arg92Cys)

Gene: OR2T8 (olfactory receptor family 2 subfamily T member 8; plus strand). Cytogenetic location: 1q44.
Variant type: single nucleotide variant.
Coding change: c.274C>T on transcript NM_001005522.2 (MANE Select); coding-DNA position 274, C replaced by T.
Protein change: p.Arg92Cys; replaces arginine 92 with cysteine.
Molecular consequence: missense variant.
Genome position (GRCh38, 1-based): chr1:247,921,291, C>T. VCF-style: chr1-247921291-C-T. GRCh37 (hg19) VCF-style: chr1-248084593-C-T.
Other names: short protein forms R92C.
Identifiers: ClinVar variation 2588215 (VCV002588215.3), dbSNP rs757258964, ClinGen allele CA1498831.